The following is an entry in ClinVar:

ClinVar aggregate classification (germline): Likely pathogenic (1 of 4 stars; one submission).

Conditions:
Encephalopathy due to GLUT1 deficiency. Also called: Classic Glucose Transporter Type 1 Deficiency Syndrome; Glucose transporter protein syndrome; De Vivo disease; GLUCOSE TRANSPORT DEFECT, BLOOD-BRAIN BARRIER; GLUT1 deficiency syndrome 1, infantile onset, severe; GLUT1 deficiency syndrome 1. Identifiers: Orphanet 71277, MedGen C4551966, MONDO:0011724, OMIM 606777.

Submission:

Neuberg Centre For Genomic Medicine, NCGM
Classification: Likely pathogenic for Encephalopathy due to GLUT1 deficiency. Review status: criteria provided, single submitter. Criteria: ACMG Guidelines, 2015. Collection method: clinical testing. Allele origin: germline. Inheritance: Autosomal dominant inheritance. Affected: yes.
Comment: The frame shift (c.964del) variant has not been reported previously as a pathogenic variant nor as a benign variant, to our knowledge. The p.Val322SerfsTer18 variant is novel (not in any individuals) in gnomAD Exomes and 1000 Genomes. This variant causes a frameshift starting with codon Valine 322, changes this amino acid to Serine residue, and creates a premature stop codon at position 18 of the new reading frame, denoted p.Val322SerfsTer18. This variant is predicted to cause loss of normal protein function through protein truncation. Loss of function variants have been previously reported to be disease causing. For these reasons, this variant has been classified as Likely Pathogenic

NM_006516.4(SLC2A1):c.964del (p.Val322fs)

Gene: SLC2A1 (solute carrier family 2 member 1; minus strand). Cytogenetic location: 1p34.2.
Variant type: Deletion.
Coding change: c.964del on transcript NM_006516.4 (MANE Select); coding-DNA position 964, one base deleted (G; older notation c.964delG).
Protein change: p.Val322fs; shifts the reading frame from valine 322.
Molecular consequence: frameshift variant.
Genome position (GRCh38, 1-based): chr1:42,929,218, C deleted on the plus strand (G on the coding strand, the reverse complement: SLC2A1 is on the minus strand). VCF-style (leftmost placement, unchanged base first): chr1-42929217-AC-A. GRCh37 (hg19) VCF-style: chr1-43394888-AC-A.
Other names: short protein forms V322fs.
Identifiers: ClinVar variation 2584846 (VCV002584846.1), dbSNP rs2524989875, ClinGen allele CA2582341913.